The following is an entry in ClinVar:

ClinVar aggregate classification (germline): Uncertain significance (1 of 4 stars; one submission).

Conditions:
Kabuki syndrome. Also called: NIIKAWA-KUROKI SYNDROME; Kabuki make-up syndrome. Identifiers: Orphanet 2322, MedGen C0796004, MONDO:0016512.

gnomAD v4.1: 8 of 1,612,926 alleles (0.0005%); highest among the groups gnomAD compares: Non-Finnish European, 0.00059%; no homozygotes.

Submission:

Labcorp Genetics (formerly Invitae), Labcorp
Classification: Uncertain significance for Kabuki syndrome. Last evaluated: 2025-04-19. Review status: criteria provided, single submitter. Criteria: Invitae Variant Classification Sherloc (09022015). Collection method: clinical testing. Allele origin: germline.
Comment: This sequence change replaces histidine, which is basic and polar, with tyrosine, which is neutral and polar, at codon 5194 of the KMT2D protein (p.His5194Tyr). This variant is not present in population databases (gnomAD no frequency). This variant has not been reported in the literature in individuals affected with KMT2D-related conditions. Invitae Evidence Modeling of protein sequence and biophysical properties (such as structural, functional, and spatial information, amino acid conservation, physicochemical variation, residue mobility, and thermodynamic stability) has been performed for this missense variant. However, the output from this modeling did not meet the statistical confidence thresholds required to predict the impact of this variant on KMT2D protein function. In summary, the available evidence is currently insufficient to determine the role of this variant in disease. Therefore, it has been classified as a Variant of Uncertain Significance.

NM_003482.4(KMT2D):c.15580C>T (p.His5194Tyr)

Gene: KMT2D (lysine methyltransferase 2D; minus strand). Cytogenetic location: 12q13.12.
Variant type: single nucleotide variant.
Coding change: c.15580C>T on transcript NM_003482.4 (MANE Select); coding-DNA position 15580, C replaced by T.
Protein change: p.His5194Tyr; replaces histidine 5194 with tyrosine.
Molecular consequence: missense variant.
Genome position (GRCh38, 1-based): chr12:49,026,386, G>A on the plus strand (C>T on the coding strand, the complement: KMT2D is on the minus strand). VCF-style: chr12-49026386-G-A. GRCh37 (hg19) VCF-style: chr12-49420169-G-A.
Other names: short protein forms H5194Y.
Identifiers: ClinVar variation 4780675 (VCV004780675.1).
Genomic context (GRCh38, chr12:49,026,386, plus strand): 5'-GCGTGGCCTCGTAGCCCACGGGATAGAGGGCAGTGGCACTATGAAAGTCAGCCATCTGGT[G>A]AGGCAGCAGCTGTCCGATGGCGTGGAACACAAGGCCCCCCACACGGAACATGTGCAGCCG-3'
Protein context (NP_003473.3, residues 5184-5204): VFHAIGQLLP[His5194Tyr]QMADFHSATA